The following is an entry in ClinVar:

ClinVar aggregate classification (germline): Uncertain significance (1 of 4 stars; one submission).

Conditions:
Dihydropteridine reductase deficiency (HPABH4C). Also called: DHPR DEFICIENCY; BH4-Deficient Hyperphenylalaninemia C; Hyperphenylalaninemia due to dihydropteridine reductase deficiency; Hyperphenylalaninemia, BH-4-deficient, C; Phenylketonuria type 2; HYPERPHENYLALANINEMIA, TETRAHYDROBIOPTERIN-DEFICIENT, DUE TO DHPR DEFICIENCY. Identifiers: Orphanet 226, Orphanet 238583, MedGen C0268465, MONDO:0009862, OMIM 261630.

Allele frequency attached by ClinVar (database versions not stated): gnomAD exomes 0.00001.
gnomAD v4.1: 8 of 1,610,898 alleles (0.0005%); highest among the groups gnomAD compares: African/African-American, 0.0013%; no homozygotes.

Submission:

Labcorp Genetics (formerly Invitae), Labcorp
Classification: Uncertain significance for Dihydropteridine reductase deficiency. Last evaluated: 2022-09-01. Review status: criteria provided, single submitter. Criteria: Invitae Variant Classification Sherloc (09022015). Collection method: clinical testing. Allele origin: germline.
Comment: This sequence change replaces arginine, which is basic and polar, with tryptophan, which is neutral and slightly polar, at codon 31 of the QDPR protein (p.Arg31Trp). This variant is not present in population databases (gnomAD no frequency). This missense change has been observed in individual(s) with biopterin-deficient hyperphenylalaninemia (PMID: 33822819). ClinVar contains an entry for this variant (Variation ID: 1371817). Algorithms developed to predict the effect of missense changes on protein structure and function are either unavailable or do not agree on the potential impact of this missense change (SIFT: "Deleterious"; PolyPhen-2: "Probably Damaging"; Align-GVGD: "Class C0"). In summary, the available evidence is currently insufficient to determine the role of this variant in disease. Therefore, it has been classified as a Variant of Uncertain Significance.

Literature cited by the submitters: PubMed 33822819.

NM_000320.3(QDPR):c.91C>T (p.Arg31Trp)

Genes: QDPR (quinoid dihydropteridine reductase; minus strand), LOC129992304 (ATAC-STARR-seq lymphoblastoid silent region 15310; plus strand). Cytogenetic location: 4p15.32.
Variant type: single nucleotide variant.
Coding change: c.91C>T on transcript NM_000320.3 (MANE Select); coding-DNA position 91, C replaced by T.
Protein change: p.Arg31Trp; replaces arginine 31 with tryptophan.
Molecular consequence: missense variant. On other transcripts: non-coding transcript variant (1).
Genome position (GRCh38, 1-based): chr4:17,511,964, G>A on the plus strand (C>T on the coding strand, the complement: QDPR is on the minus strand). VCF-style: chr4-17511964-G-A. GRCh37 (hg19) VCF-style: chr4-17513587-G-A.
Other names: c.91C>T, p.Arg31Trp (NM_001306140.2); short protein forms R31W.
Identifiers: ClinVar variation 1371817 (VCV001371817.5), dbSNP rs2108999046, ClinGen allele CA356454304.
Genomic context (GRCh38, chr4:17,511,964, plus strand): 5'-CCGGCCACCCCCGCGGAGACCCAGCAGCCCCAGCCCGCAGCATTACCCAGTTGCGGGCCC[G>A]AAAAGCCTGCACGCATCGAGAACCCAGAGCGCCCCTGCCGCCGTACACCAGCACCCGGCG-3'
Protein context (NP_000311.2, residues 21-41): ALGSRCVQAF[Arg31Trp]ARNWWVASVD